The following is an entry in ClinVar:

ClinVar aggregate classification (germline): Uncertain significance (1 of 4 stars; one submission).

Conditions:
Combined oxidative phosphorylation defect type 27. Also called: Combined oxidative phosphorylation deficiency 27. Identifiers: Orphanet 477774, MedGen C5567608, MONDO:0014728, OMIM 616672.

Allele frequency attached by ClinVar (database versions not stated): TOPMed below 0.00001; gnomAD 0.00001.

Submission:

Labcorp Genetics (formerly Invitae), Labcorp
Classification: Uncertain significance for Combined oxidative phosphorylation defect type 27. Last evaluated: 2022-07-30. Review status: criteria provided, single submitter. Criteria: Invitae Variant Classification Sherloc (09022015). Collection method: clinical testing. Allele origin: germline.
Comment: This sequence change replaces glycine, which is neutral and non-polar, with serine, which is neutral and polar, at codon 7 of the CARS2 protein (p.Gly7Ser). This variant is not present in population databases (gnomAD no frequency). This variant has not been reported in the literature in individuals affected with CARS2-related conditions. Algorithms developed to predict the effect of missense changes on protein structure and function output the following: SIFT: "Tolerated"; PolyPhen-2: "Not Available"; Align-GVGD: "Class C0". The serine amino acid residue is found in multiple mammalian species, which suggests that this missense change does not adversely affect protein function. In summary, the available evidence is currently insufficient to determine the role of this variant in disease. Therefore, it has been classified as a Variant of Uncertain Significance.

NM_024537.4(CARS2):c.19G>A (p.Gly7Ser)

Genes: CARS2 (cysteinyl-tRNA synthetase 2, mitochondrial; minus strand), LOC130010127 (ATAC-STARR-seq lymphoblastoid silent region 5509; plus strand). Cytogenetic location: 13q34.
Variant type: single nucleotide variant.
Coding change: c.19G>A on transcript NM_024537.4 (MANE Select); coding-DNA position 19, G replaced by A.
Protein change: p.Gly7Ser; replaces glycine 7 with serine.
Molecular consequence: missense variant. On other transcripts: non-coding transcript variant (1), intron variant (1).
Genome position (GRCh38, 1-based): chr13:110,706,075, C>T on the plus strand (G>A on the coding strand, the complement: CARS2 is on the minus strand). VCF-style: chr13-110706075-C-T. GRCh37 (hg19) VCF-style: chr13-111358422-C-T.
Other names: c.19G>A, p.Gly7Ser (NM_001352253.3); c.-776+296G>A (NM_001352252.2); short protein forms G7S.
Identifiers: ClinVar variation 2163616 (VCV002163616.4), dbSNP rs1352421697, ClinGen allele CA388743544.